The following is an entry in ClinVar:

NM_004387.4(NKX2-5):c.876C>G (p.Phe292Leu)

Gene: NKX2-5 (NK2 homeobox 5; minus strand). Cytogenetic location: 5q35.1.
Variant type: single nucleotide variant.
Coding change: c.876C>G on transcript NM_004387.4 (MANE Select); coding-DNA position 876, C replaced by G.
Protein change: p.Phe292Leu; replaces phenylalanine 292 with leucine.
Molecular consequence: missense variant. On other transcripts: 3 prime UTR variant (2).
Genome position (GRCh38, 1-based): chr5:173,232,668, G>C on the plus strand (C>G on the coding strand, the complement: NKX2-5 is on the minus strand). VCF-style: chr5-173232668-G-C. GRCh37 (hg19) VCF-style: chr5-172659671-G-C.
Other names: c.*829C>G (NM_001166175.2); c.*675C>G (NM_001166176.2); short protein forms F292L.
Identifiers: ClinVar variation 4891382 (VCV004891382.1).
Genomic context (GRCh38, chr5:173,232,668, plus strand): 5'-GTTGCTCTGCGGAATCCCGGGGCTCTGAACCGCATTCAAGTCCCCGACGCCGAAGTTCAC[G>C]AAGTTGTTGTTGGCGGCGGCAGTGGCCGGCTGCGCTGGGGAAGGCCCGGCGGGGTAAGCG-3'
Protein context (NP_004378.1, residues 282-302): QPATAAANNN[Phe292Leu]VNFGVGDLNA

ClinVar aggregate classification (germline): Uncertain significance (1 of 4 stars; one submission).

gnomAD v4.1: 1 of 1,612,212 alleles (0.000062%); highest among the groups gnomAD compares: East Asian, 0.0022%; no homozygotes.

Submission:

GeneDx
Classification: Uncertain significance. Last evaluated: 2026-02-04. Review status: criteria provided, single submitter. Criteria: GeneDx Variant Classification Process June 2021. Collection method: clinical testing. Allele origin: germline.
Comment: Not observed at significant frequency in large population cohorts (gnomAD); In silico analysis suggests that this missense variant does not alter protein structure/function; Has not been previously published as pathogenic or benign to our knowledge